The following is an entry in ClinVar:

NM_000628.5(IL10RB):c.49+8G>T

Genes: IFNAR2-IL10RB (IFNAR2-IL10RB readthrough; plus strand), IL10RB (interleukin 10 receptor subunit beta; plus strand), LOC130066558 (ATAC-STARR-seq lymphoblastoid silent region 13254; plus strand). Cytogenetic location: 21q22.11.
Variant type: single nucleotide variant.
Coding change: c.49+8G>T on transcript NM_000628.5 (MANE Select); 8 bases into the intron after coding-DNA position 49, G replaced by T.
Molecular consequence: intron variant.
Genome position (GRCh38, 1-based): chr21:33,266,522, G>T. VCF-style: chr21-33266522-G-T. GRCh37 (hg19) VCF-style: chr21-34638827-G-T.
Other names: c.49+8G>T (NM_000628.4).
Identifiers: ClinVar variation 1110578 (VCV001110578.11), dbSNP rs889875247, ClinGen allele CA320140045.

ClinVar aggregate classification (germline): Likely benign. Review status: criteria provided, single submitter (1 of 4 stars). 2 submissions from 2 submitters: Likely benign (1). 1 of the submissions does not count toward it. Last evaluated 2025-12-02.

Conditions:
Inflammatory bowel disease 25. Also called: Inflammatory bowel disease 25, early onset, autosomal recessive. Identifiers: Orphanet 238569, MedGen C2675508, MONDO:0012941, OMIM 612567.
IL10RB-related disorder. Also called: IL10RB-related condition.

Allele frequency attached by ClinVar (database versions not stated): gnomAD exomes 0.00001; gnomAD 0.00007 and 0.00008; TOPMed 0.00011.
gnomAD v4.1: 19 of 1,541,872 alleles (0.0012%); highest among the groups gnomAD compares: African/African-American, 0.025%; no homozygotes.

Submissions (2):

Labcorp Genetics (formerly Invitae), Labcorp
Classification: Likely benign for Inflammatory bowel disease 25. Last evaluated: 2025-12-02. Review status: criteria provided, single submitter. Criteria: Invitae Variant Classification Sherloc (09022015). Collection method: clinical testing. Allele origin: germline.

PreventionGenetics, part of Exact Sciences
Classification: Likely benign for IL10RB-related condition. Last evaluated: 2020-03-09. Review status: no assertion criteria provided. Collection method: clinical testing. Allele origin: germline. Not counted in ClinVar's aggregate classification.
Comment: This variant is classified as likely benign based on ACMG/AMP sequence variant interpretation guidelines (Richards et al. 2015 PMID: 25741868, with internal and published modifications).